The following is an entry in ClinVar:

NM_000812.4(GABRB1):c.1321C>A (p.Pro441Thr)

Gene: GABRB1 (gamma-aminobutyric acid type A receptor subunit beta1; plus strand). Cytogenetic location: 4p12.
Variant type: single nucleotide variant.
Coding change: c.1321C>A on transcript NM_000812.4 (MANE Select); coding-DNA position 1321, C replaced by A.
Protein change: p.Pro441Thr; replaces proline 441 with threonine.
Molecular consequence: missense variant.
Genome position (GRCh38, 1-based): chr4:47,425,914, C>A. VCF-style: chr4-47425914-C-A. GRCh37 (hg19) VCF-style: chr4-47427931-C-A.
Other names: short protein forms P441T.
Identifiers: ClinVar variation 2844139 (VCV002844139.3), dbSNP rs76685630, ClinGen allele CA356767709.

ClinVar aggregate classification (germline): Uncertain significance (1 of 4 stars; one submission).

Submission:

Labcorp Genetics (formerly Invitae), Labcorp
Classification: Uncertain significance. Last evaluated: 2025-06-15. Review status: criteria provided, single submitter. Criteria: Invitae Variant Classification Sherloc (09022015). Collection method: clinical testing. Allele origin: germline.
Comment: This sequence change replaces proline, which is neutral and non-polar, with threonine, which is neutral and polar, at codon 441 of the GABRB1 protein (p.Pro441Thr). This variant is not present in population databases (gnomAD no frequency). This variant has not been reported in the literature in individuals affected with GABRB1-related conditions. ClinVar contains an entry for this variant (Variation ID: 2844139). Invitae Evidence Modeling of protein sequence and biophysical properties (such as structural, functional, and spatial information, amino acid conservation, physicochemical variation, residue mobility, and thermodynamic stability) indicates that this missense variant is not expected to disrupt GABRB1 protein function with a negative predictive value of 80%. In summary, the available evidence is currently insufficient to determine the role of this variant in disease. Therefore, it has been classified as a Variant of Uncertain Significance.